The following is an entry in ClinVar:

NM_004082.5(DCTN1):c.3157C>G (p.Pro1053Ala)

Gene: DCTN1 (dynactin subunit 1; minus strand). Cytogenetic location: 2p13.1.
Variant type: single nucleotide variant.
Coding change: c.3157C>G on transcript NM_004082.5 (MANE Select); coding-DNA position 3157, C replaced by G.
Protein change: p.Pro1053Ala; replaces proline 1053 with alanine.
Molecular consequence: missense variant. On other transcripts: non-coding transcript variant (1).
Genome position (GRCh38, 1-based): chr2:74,365,114, G>C on the plus strand (C>G on the coding strand, the complement: DCTN1 is on the minus strand). VCF-style: chr2-74365114-G-C. GRCh37 (hg19) VCF-style: chr2-74592241-G-C.
Other names: c.3097C>G, p.Pro1033Ala (NM_001135040.3); c.2755C>G, p.Pro919Ala (NM_001135041.3, NM_023019.4); c.3046C>G, p.Pro1016Ala (NM_001190836.2); c.3136C>G, p.Pro1046Ala (NM_001190837.2); c.3106C>G, p.Pro1036Ala (NM_001378991.1); c.3088C>G, p.Pro1030Ala (NM_001378992.1); short protein forms P1046A, P1030A, P1053A, P919A, P1016A, P1033A, P1036A.
Identifiers: ClinVar variation 1954941 (VCV001954941.5), dbSNP rs757668957, ClinGen allele CA347339860.
Genomic context (GRCh38, chr2:74,365,114, plus strand): 5'-TGCCTATTCCACAGTACTCACCACCAGCAATGCCAGAGACCAGAGTAGCAATGCCTGAAG[G>C]AGGAGGGCCCCGGAGTCCCTCAATCGTGCGTTTGGACTGGCTGTTCAGACGCTGCTTTAG-3'
Protein context (NP_004073.2, residues 1043-1063): RTIEGLRGPP[Pro1053Ala]SGIATLVSGI

ClinVar aggregate classification (germline): Uncertain significance (1 of 4 stars; one submission).

Conditions:
Amyotrophic lateral sclerosis type 1 (ALS1). Also called: AMYOTROPHIC LATERAL SCLEROSIS 1, FAMILIAL. Identifiers: Orphanet 803, MedGen C1862939, MONDO:0007103, OMIM 105400.
Neuronopathy, distal hereditary motor, type 7B. Also called: NEURONOPATHY, DISTAL HEREDITARY MOTOR, AUTOSOMAL DOMINANT 14; NEURONOPATHY, DISTAL HEREDITARY MOTOR, HARDING TYPE VIIB; NEUROPATHY, DISTAL HEREDITARY MOTOR, HARDING TYPE VIIB; NEUROPATHY, DISTAL HEREDITARY MOTOR, WITH VOCAL CORD PARALYSIS, HARDING TYPE VIIB; HMN VIIB; LOWER MOTOR NEURON DISEASE, DYNACTIN TYPE. Identifiers: Orphanet 139589, MedGen C1843315, MONDO:0011879, OMIM 607641.
Perry syndrome. Also called: PARKINSONISM WITH ALVEOLAR HYPOVENTILATION AND MENTAL DEPRESSION. Identifiers: Orphanet 178509, MedGen C1868594, MONDO:0008201, OMIM 168605.

Submission:

Labcorp Genetics (formerly Invitae), Labcorp
Classification: Uncertain significance for Amyotrophic lateral sclerosis type 1; Neuronopathy, distal hereditary motor, type 7B; Perry syndrome. Last evaluated: 2022-01-28. Review status: criteria provided, single submitter. Criteria: Invitae Variant Classification Sherloc (09022015). Collection method: clinical testing. Allele origin: germline.
Comment: In summary, the available evidence is currently insufficient to determine the role of this variant in disease. Therefore, it has been classified as a Variant of Uncertain Significance. Algorithms developed to predict the effect of missense changes on protein structure and function are either unavailable or do not agree on the potential impact of this missense change (SIFT: "Deleterious"; PolyPhen-2: "Benign"; Align-GVGD: "Class C25"). This variant has not been reported in the literature in individuals affected with DCTN1-related conditions. This variant is not present in population databases (gnomAD no frequency). This sequence change replaces proline, which is neutral and non-polar, with alanine, which is neutral and non-polar, at codon 1053 of the DCTN1 protein (p.Pro1053Ala).